The following is an entry in ClinVar:

ClinVar aggregate classification (germline): Conflicting classifications of pathogenicity. Review status: criteria provided, conflicting classifications (1 of 4 stars). 2 submissions from 2 submitters: Uncertain significance (1); Likely benign (1). Last evaluated 2024-06-14.

Conditions:
Inosine triphosphatase deficiency. Also called: INOSINE TRIPHOSPHATE PYROPHOSPHOHYDROLASE DEFICIENCY. Identifiers: MedGen C0342800, MONDO:0013461, OMIM 613850.

Allele frequency attached by ClinVar (database versions not stated): ExAC 0.00001; gnomAD 0.00001; gnomAD exomes 0.00002 and 0.00005; TOPMed 0.00005.

Submissions (2):

Blueprint Genetics
Classification: Likely benign. Last evaluated: 2024-06-14. Review status: criteria provided, single submitter. Criteria: ACMG Guidelines, 2015. Collection method: clinical testing. Allele origin: germline.

Labcorp Genetics (formerly Invitae), Labcorp
Classification: Uncertain significance for Inosine triphosphatase deficiency. Last evaluated: 2022-08-31. Review status: criteria provided, single submitter. Criteria: Invitae Variant Classification Sherloc (09022015). Collection method: clinical testing. Allele origin: germline.
Comment: This sequence change replaces valine, which is neutral and non-polar, with isoleucine, which is neutral and non-polar, at codon 24 of the ITPA protein (p.Val24Ile). This variant is present in population databases (rs777033296, gnomAD 0.004%). This variant has not been reported in the literature in individuals affected with ITPA-related conditions. ClinVar contains an entry for this variant (Variation ID: 943399). Algorithms developed to predict the effect of missense changes on protein structure and function output the following: SIFT: "Tolerated"; PolyPhen-2: "Benign"; Align-GVGD: "Class C0". The isoleucine amino acid residue is found in multiple mammalian species, which suggests that this missense change does not adversely affect protein function. Algorithms developed to predict the effect of sequence changes on RNA splicing suggest that this variant may create or strengthen a splice site. In summary, the available evidence is currently insufficient to determine the role of this variant in disease. Therefore, it has been classified as a Variant of Uncertain Significance.

NM_033453.4(ITPA):c.70G>A (p.Val24Ile)

Gene: ITPA (inosine triphosphatase; plus strand). Cytogenetic location: 20p13.
Variant type: single nucleotide variant.
Coding change: c.70G>A on transcript NM_033453.4 (MANE Select); coding-DNA position 70, G replaced by A.
Protein change: p.Val24Ile; replaces valine 24 with isoleucine.
Molecular consequence: missense variant. On other transcripts: 5 prime UTR variant (1), non-coding transcript variant (2), intron variant (4).
Genome position (GRCh38, 1-based): chr20:3,213,172, G>A. VCF-style: chr20-3213172-G-A. GRCh37 (hg19) VCF-style: chr20-3193818-G-A.
Other names: c.-268G>A (NM_001324237.2); c.70G>A, p.Val24Ile (NM_001324240.2); c.19G>A, p.Val7Ile (NM_181493.4); c.-274-86G>A (NM_001324238.2, NM_001324236.2, NM_001351739.2); c.67-813G>A (NM_001267623.2); short protein forms V7I, V24I.
Identifiers: ClinVar variation 943399 (VCV000943399.8), dbSNP rs777033296, ClinGen allele CA9741141.